The following is an entry in ClinVar:

NM_006506.5(RASA2):c.1861A>T (p.Ile621Phe)

Gene: RASA2 (RAS p21 protein activator 2; plus strand). Cytogenetic location: 3q23.
Variant type: single nucleotide variant.
Coding change: c.1861A>T on transcript NM_006506.5 (MANE Select); coding-DNA position 1861, A replaced by T.
Protein change: p.Ile621Phe; replaces isoleucine 621 with phenylalanine.
Molecular consequence: missense variant.
Genome position (GRCh38, 1-based): chr3:141,586,680, A>T. VCF-style: chr3-141586680-A-T. GRCh37 (hg19) VCF-style: chr3-141305522-A-T.
Other names: c.1861A>T, p.Ile621Phe (NM_001303245.3, NM_001303246.3); short protein forms I621F.
Identifiers: ClinVar variation 4754779 (VCV004754779.1).

ClinVar aggregate classification (germline): Uncertain significance (1 of 4 stars; one submission).

Submission:

Labcorp Genetics (formerly Invitae), Labcorp
Classification: Uncertain significance. Last evaluated: 2025-10-04. Review status: criteria provided, single submitter. Criteria: Invitae Variant Classification Sherloc (09022015). Collection method: clinical testing. Allele origin: germline.
Comment: This sequence change replaces isoleucine, which is neutral and non-polar, with phenylalanine, which is neutral and non-polar, at codon 621 of the RASA2 protein (p.Ile621Phe). This variant is not present in population databases (gnomAD no frequency). This variant has not been reported in the literature in individuals affected with RASA2-related conditions. An algorithm developed to predict the effect of missense changes on protein structure and function (PolyPhen-2) suggests that this variant is likely to be tolerated. In summary, the available evidence is currently insufficient to determine the role of this variant in disease. Therefore, it has been classified as a Variant of Uncertain Significance.